The following is an entry in ClinVar:

NM_022042.4(SLC26A1):c.1799C>T (p.Ala600Val)

Genes: IDUA (alpha-L-iduronidase; plus strand), SLC26A1 (solute carrier family 26 member 1; minus strand). Cytogenetic location: 4p16.3.
Variant type: single nucleotide variant.
Coding change: c.1799C>T on transcript NM_022042.4 (MANE Select); coding-DNA position 1799, C replaced by T.
Protein change: p.Ala600Val; replaces alanine 600 with valine.
Molecular consequence: missense variant. On other transcripts: intron variant (2).
Genome position (GRCh38, 1-based): chr4:989,140, G>A on the plus strand (C>T on the coding strand, the complement: SLC26A1 is on the minus strand). VCF-style: chr4-989140-G-A. GRCh37 (hg19) VCF-style: chr4-982928-G-A.
Other names: c.1799C>T (NM_213613.2); c.1799C>T, p.Ala600Val (NM_213613.4); c.576+1988C>T (NM_134425.4); c.299+1191G>A (NM_000203.5); short protein forms A600V.
Identifiers: ClinVar variation 1037850 (VCV001037850.9), dbSNP rs1435786055, ClinGen allele CA355949342.

ClinVar aggregate classification (germline): Uncertain significance. Review status: criteria provided, multiple submitters, no conflicts (2 of 4 stars). 2 submissions from 2 submitters: Uncertain significance (2). Last evaluated 2024-11-15.

Conditions:
Inborn genetic diseases. Identifiers: MedGen C0950123, MeSH D030342.

Allele frequency attached by ClinVar (database versions not stated): gnomAD exomes 0.00001; TOPMed 0.00002; gnomAD 0.00003 and 0.00004.
gnomAD v4.1: 23 of 1,607,934 alleles (0.0014%); highest among the groups gnomAD compares: South Asian, 0.0022%; no homozygotes.

Submissions (2):

Ambry Genetics
Classification: Uncertain significance for Inborn genetic diseases. Last evaluated: 2024-11-15. Review status: criteria provided, single submitter. Criteria: Ambry Variant Classification Scheme 2023. Collection method: clinical testing. Allele origin: germline.

Labcorp Genetics (formerly Invitae), Labcorp
Classification: Uncertain significance. Last evaluated: 2020-09-02. Review status: criteria provided, single submitter. Criteria: Invitae Variant Classification Sherloc (09022015). Collection method: clinical testing. Allele origin: germline.
Comment: This sequence change replaces alanine with valine at codon 600 of the SLC26A1 protein (p.Ala600Val). The alanine residue is moderately conserved and there is a small physicochemical difference between alanine and valine. This variant is not present in population databases (ExAC no frequency). This variant has not been reported in the literature in individuals with SLC26A1-related conditions. Algorithms developed to predict the effect of missense changes on protein structure and function (SIFT, PolyPhen-2, Align-GVGD) all suggest that this variant is likely to be tolerated, but these predictions have not been confirmed by published functional studies and their clinical significance is uncertain. In summary, the available evidence is currently insufficient to determine the role of this variant in disease. Therefore, it has been classified as a Variant of Uncertain Significance.